The following is an entry in ClinVar:

ClinVar aggregate classification (germline): Likely benign (1 of 4 stars; one submission).

Allele frequency attached by ClinVar (database versions not stated): gnomAD exomes below 0.00001.
gnomAD v4.1: 1 of 1,614,114 alleles (0.000062%); highest among the groups gnomAD compares: Non-Finnish European, 0.000085%; no homozygotes.

Submission:

CeGaT Center for Human Genetics Tuebingen
Classification: Likely benign. Last evaluated: 2024-04-01. Review status: criteria provided, single submitter. Criteria: CeGaT Center For Human Genetics Tuebingen Variant Classification Criteria Version 2. Collection method: clinical testing. Allele origin: germline. Affected: yes. Observed: 1 variant allele.
Comment: SPOP: BP4, BP7

NM_001007228.2(SPOP):c.1101A>C (p.Pro367=)

Gene: SPOP (speckle type BTB/POZ protein; minus strand). Cytogenetic location: 17q21.33.
Variant type: single nucleotide variant.
Coding change: c.1101A>C on transcript NM_001007228.2 (MANE Select); coding-DNA position 1101, A replaced by C.
Protein change: p.Pro367=; no amino-acid change (proline 367 retained).
Molecular consequence: synonymous variant.
Genome position (GRCh38, 1-based): chr17:49,600,402, T>G on the plus strand (A>C on the coding strand, the complement: SPOP is on the minus strand). VCF-style: chr17-49600402-T-G. GRCh37 (hg19) VCF-style: chr17-47677764-T-G.
Other names: c.1101A>C, p.Pro367= (NM_001007226.1, NM_001007227.1, NM_001007229.1 and 5 more transcripts).
Identifiers: ClinVar variation 3234787 (VCV003234787.20), dbSNP rs1383872445, ClinGen allele CA500803745.